The following is an entry in ClinVar:

NM_001999.4(FBN2):c.6881-3T>C

Gene: FBN2 (fibrillin 2; minus strand). Cytogenetic location: 5q23.3.
Variant type: single nucleotide variant.
Coding change: c.6881-3T>C on transcript NM_001999.4 (MANE Select); 3 bases into the intron before coding-DNA position 6881, T replaced by C.
Molecular consequence: intron variant.
Genome position (GRCh38, 1-based): chr5:128,286,852, A>G on the plus strand (T>C on the coding strand, the complement: FBN2 is on the minus strand). VCF-style: chr5-128286852-A-G. GRCh37 (hg19) VCF-style: chr5-127622544-A-G.
Identifiers: ClinVar variation 2655680 (VCV002655680.24), dbSNP rs2479670377, ClinGen allele CA2675112976.

ClinVar aggregate classification (germline): Uncertain significance (1 of 4 stars; one submission).

gnomAD v4.1: 2 of 1,613,912 alleles (0.00012%); highest among the groups gnomAD compares: Middle Eastern, 0.017%; no homozygotes.

Submission:

CeGaT Center for Human Genetics Tuebingen
Classification: Uncertain significance. Last evaluated: 2023-10-01. Review status: criteria provided, single submitter. Criteria: CeGaT Center For Human Genetics Tuebingen Variant Classification Criteria Version 2. Collection method: clinical testing. Allele origin: germline. Affected: yes. Observed: 1 variant allele.
Comment: FBN2: PM2, BP4